The following is an entry in ClinVar:

ClinVar aggregate classification (germline): Conflicting classifications of pathogenicity. Review status: criteria provided, conflicting classifications (1 of 4 stars). 3 submissions from 3 submitters: Uncertain significance (2); Likely benign (1). Last evaluated 2026-02-03.

Conditions:
Autosomal dominant Parkinson disease 8. Also called: LRRK2-Related Parkinson Disease; Parkinson disease 8; Parkinson disease 8, susceptibility to. Identifiers: Orphanet 411602, MedGen C1846862, MONDO:0011764, OMIM 607060.

Allele frequency attached by ClinVar (database versions not stated): TOPMed 0.00013; ESP Exome Variant Server 0.00015; 1000 Genomes Project 30x 0.00016; 1000 Genomes Project 0.00020.
gnomAD v4.1: 321 of 1,607,802 alleles (0.02%); highest among the groups gnomAD compares: East Asian, 0.025%; no homozygotes.

Submissions (3):

Labcorp Genetics (formerly Invitae), Labcorp
Classification: Uncertain significance for Autosomal dominant Parkinson disease 8. Last evaluated: 2026-02-03. Review status: criteria provided, single submitter. Criteria: Invitae Variant Classification Sherloc (09022015). Collection method: clinical testing. Allele origin: germline.
Comment: This sequence change replaces arginine, which is basic and polar, with glutamine, which is neutral and polar, at codon 2477 of the LRRK2 protein (p.Arg2477Gln). This variant is present in population databases (rs146428335, gnomAD 0.02%), and has an allele count higher than expected for a pathogenic variant. This variant has not been reported in the literature in individuals affected with LRRK2-related conditions. ClinVar contains an entry for this variant (Variation ID: 1044075). Invitae Evidence Modeling of protein sequence and biophysical properties (such as structural, functional, and spatial information, amino acid conservation, physicochemical variation, residue mobility, and thermodynamic stability) indicates that this missense variant is not expected to disrupt LRRK2 protein function with a negative predictive value of 80%. Algorithms developed to predict the effect of sequence changes on RNA splicing suggest that this variant may disrupt the consensus splice site. In summary, the available evidence is currently insufficient to determine the role of this variant in disease. Therefore, it has been classified as a Variant of Uncertain Significance.

Blueprint Genetics
Classification: Likely benign. Last evaluated: 2024-10-25. Review status: criteria provided, single submitter. Criteria: ACMG Guidelines, 2015. Collection method: clinical testing. Allele origin: germline.

Fulgent Genetics
Classification: Uncertain significance for Autosomal dominant Parkinson disease 8. Last evaluated: 2022-04-04. Review status: criteria provided, single submitter. Criteria: ACMG Guidelines, 2015. Collection method: clinical testing. Allele origin: unknown.

NM_198578.4(LRRK2):c.7430G>A (p.Arg2477Gln)

Gene: LRRK2 (leucine rich repeat kinase 2; plus strand). Cytogenetic location: 12q12.
Variant type: single nucleotide variant.
Coding change: c.7430G>A on transcript NM_198578.4 (MANE Select); coding-DNA position 7430, G replaced by A.
Protein change: p.Arg2477Gln; replaces arginine 2477 with glutamine.
Molecular consequence: missense variant.
Genome position (GRCh38, 1-based): chr12:40,367,045, G>A. VCF-style: chr12-40367045-G-A. GRCh37 (hg19) VCF-style: chr12-40760847-G-A.
Other names: short protein forms R2477Q.
Identifiers: ClinVar variation 1044075 (VCV001044075.11), dbSNP rs146428335, ClinGen allele CA6514940.